The following is an entry in ClinVar:

NC_000019.9:g.(?_12917488)_(13010355_?)dup

Genes: DNASE2 (deoxyribonuclease 2, lysosomal; minus strand), GCDH (glutaryl-CoA dehydrogenase; plus strand), KLF1 (KLF transcription factor 1; minus strand), MAST1 (microtubule associated serine/threonine kinase 1; plus strand), RNASEH2A (ribonuclease H2 subunit A; plus strand) and 2 more. Cytogenetic location: 19p13.2.
Variant type: Duplication.
Identifiers: ClinVar variation 2425590 (VCV002425590.3).

ClinVar aggregate classification (germline): Uncertain significance (1 of 4 stars; one submission).

Conditions:
Aicardi-Goutieres syndrome 4. Identifiers: Orphanet 51, MedGen C1835912, MONDO:0012472, OMIM 610333.

Submission:

Labcorp Genetics (formerly Invitae), Labcorp
Classification: Uncertain significance for Aicardi-Goutieres syndrome 4. Last evaluated: 2022-08-10. Review status: criteria provided, single submitter. Criteria: Invitae Variant Classification Sherloc (09022015). Collection method: clinical testing. Allele origin: germline.
Comment: A copy number gain of the genomic region encompassing the full coding sequence of the RNASEH2A gene has been identified. The boundaries of this event are unknown as they extend beyond the assayed region for this gene and therefore may encompass additional genes. As the precise location of this event is unknown, it may be in tandem or it may be located elsewhere in the genome. This variant has not been reported in the literature in individuals affected with RNASEH2A-related conditions. In summary, the available evidence is currently insufficient to determine the role of this variant in disease. Therefore, it has been classified as a Variant of Uncertain Significance.